The following is an entry in ClinVar:

NM_000256.3(MYBPC3):c.942_943dup (p.Ala315fs)

Gene: MYBPC3 (myosin binding protein C3; minus strand). Cytogenetic location: 11p11.2.
Variant type: Duplication.
Coding change: c.942_943dup on transcript NM_000256.3 (MANE Select); coding-DNA positions 942 to 943, 2 bases duplicated (GG; older notation c.942_943dupGG).
Protein change: p.Ala315fs; shifts the reading frame from alanine 315.
Molecular consequence: frameshift variant.
Genome position (GRCh38, 1-based): chr11:47,346,354-47,346,355, CC duplicated on the plus strand (GG on the coding strand, the reverse complement: MYBPC3 is on the minus strand). VCF-style (leftmost placement, unchanged base first): chr11-47346353-G-GCC. GRCh37 (hg19) VCF-style: chr11-47367904-G-GCC.
Other names: short protein forms A315fs.
Identifiers: ClinVar variation 4076615 (VCV004076615.1).

ClinVar aggregate classification (germline): Likely pathogenic (1 of 4 stars; one submission).

Submission:

GeneDx
Classification: Likely pathogenic. Last evaluated: 2025-02-19. Review status: criteria provided, single submitter. Criteria: GeneDx Variant Classification Process June 2021. Collection method: clinical testing. Allele origin: germline. Affected: yes.
Comment: Frameshift variant predicted to result in protein truncation or nonsense mediated decay in a gene for which loss of function is a known mechanism of disease; Not observed at significant frequency in large population cohorts (gnomAD); Has not been previously published as pathogenic or benign to our knowledge